The following is an entry in ClinVar:

ClinVar aggregate classification (germline): Uncertain significance (1 of 4 stars; one submission).

Allele frequency attached by ClinVar (database versions not stated): TOPMed 0.00001; gnomAD 0.00002.
gnomAD v4.1: 3 of 1,590,926 alleles (0.00019%); highest among the groups gnomAD compares: African/African-American, 0.004%; no homozygotes.

Submission:

Labcorp Genetics (formerly Invitae), Labcorp
Classification: Uncertain significance. Last evaluated: 2024-11-11. Review status: criteria provided, single submitter. Criteria: Invitae Variant Classification Sherloc (09022015). Collection method: clinical testing. Allele origin: germline.
Comment: This sequence change replaces serine, which is neutral and polar, with phenylalanine, which is neutral and non-polar, at codon 138 of the RPSA protein (p.Ser138Phe). This variant is present in population databases (no rsID available, gnomAD 0.01%). This variant has not been reported in the literature in individuals affected with RPSA-related conditions. ClinVar contains an entry for this variant (Variation ID: 2060226). Invitae Evidence Modeling of protein sequence and biophysical properties (such as structural, functional, and spatial information, amino acid conservation, physicochemical variation, residue mobility, and thermodynamic stability) indicates that this missense variant is expected to disrupt RPSA protein function with a positive predictive value of 80%. In summary, the available evidence is currently insufficient to determine the role of this variant in disease. Therefore, it has been classified as a Variant of Uncertain Significance.

NM_002295.6(RPSA):c.413C>T (p.Ser138Phe)

Gene: RPSA (ribosomal protein SA; plus strand). Cytogenetic location: 3p22.1.
Variant type: single nucleotide variant.
Coding change: c.413C>T on transcript NM_002295.6 (MANE Select); coding-DNA position 413, C replaced by T.
Protein change: p.Ser138Phe; replaces serine 138 with phenylalanine.
Molecular consequence: missense variant.
Genome position (GRCh38, 1-based): chr3:39,410,914, C>T. VCF-style: chr3-39410914-C-T. GRCh37 (hg19) VCF-style: chr3-39452405-C-T.
Other names: c.413C>T, p.Ser138Phe (NM_001012321.1); c.428C>T, p.Ser143Phe (NM_001304288.2); short protein forms S143F, S138F.
Identifiers: ClinVar variation 2060226 (VCV002060226.4), dbSNP rs1387989945, ClinGen allele CA352213265.